The following is an entry in ClinVar:

NM_000492.4(CFTR):c.3349A>C (p.Ile1117Leu)

Genes: CFTR (CF transmembrane conductance regulator; plus strand), CFTR-AS2 (CFTR antisense RNA 2; minus strand), LOC111674472 (DNase I hypersensitive sites in introns 16 and 17a of CFTR; plus strand). Cytogenetic location: 7q31.2.
Variant type: single nucleotide variant.
Coding change: c.3349A>C on transcript NM_000492.4 (MANE Select); coding-DNA position 3349, A replaced by C.
Protein change: p.Ile1117Leu; replaces isoleucine 1117 with leucine.
Molecular consequence: missense variant.
Genome position (GRCh38, 1-based): chr7:117,611,790, A>C. VCF-style: chr7-117611790-A-C. GRCh37 (hg19) VCF-style: chr7-117251844-A-C.
Other names: short protein forms I1117L.
Identifiers: ClinVar variation 1902310 (VCV001902310.6), dbSNP rs2485130659, ClinGen allele CA368992599.

ClinVar aggregate classification (germline): Uncertain significance. Review status: criteria provided, multiple submitters, no conflicts (2 of 4 stars). 2 submissions from 2 submitters: Uncertain significance (2). Last evaluated 2024-03-08.

Conditions:
Cystic fibrosis (CF). Also called: MUCOVISCIDOSIS. Identifiers: Orphanet 586, MedGen C0010674, MONDO:0009061, OMIM 219700. Disease mechanism: loss of function.

Submissions (2):

Ambry Genetics
Classification: Uncertain significance for Cystic fibrosis. Last evaluated: 2024-03-08. Review status: criteria provided, single submitter. Criteria: Ambry Variant Classification Scheme 2023. Collection method: clinical testing. Allele origin: germline.
Comment: The p.I1117L variant (also known as c.3349A>C), located in coding exon 20 of the CFTR gene, results from an A to C substitution at nucleotide position 3349. The isoleucine at codon 1117 is replaced by leucine, an amino acid with highly similar properties. This amino acid position is conserved. In addition, the in silico prediction for this alteration is inconclusive. Based on the available evidence, the clinical significance of this alteration remains unclear.

Labcorp Genetics (formerly Invitae), Labcorp
Classification: Uncertain significance for Cystic fibrosis. Last evaluated: 2022-04-16. Review status: criteria provided, single submitter. Criteria: Invitae Variant Classification Sherloc (09022015). Collection method: clinical testing. Allele origin: germline.
Comment: This variant has not been reported in the literature in individuals affected with CFTR-related conditions. Algorithms developed to predict the effect of missense changes on protein structure and function (SIFT, PolyPhen-2, Align-GVGD) all suggest that this variant is likely to be tolerated. In summary, the available evidence is currently insufficient to determine the role of this variant in disease. Therefore, it has been classified as a Variant of Uncertain Significance. This variant is not present in population databases (gnomAD no frequency). This sequence change replaces isoleucine, which is neutral and non-polar, with leucine, which is neutral and non-polar, at codon 1117 of the CFTR protein (p.Ile1117Leu).